The following is an entry in ClinVar:

ClinVar aggregate classification (germline): Pathogenic/Likely pathogenic. Review status: criteria provided, multiple submitters, no conflicts (2 of 4 stars). 2 submissions from 2 submitters: Pathogenic (1); Likely pathogenic (1). Last evaluated 2025-09-08.

Conditions:
Mucolipidosis type II. Also called: ML II ALPHA/BETA; Mucolipidosis II Alpha/Beta; Mucolipidosis 2; ML 2; Inclusion cell disease; Leroy Disease. Identifiers: Orphanet 576, MedGen C2673377, MONDO:0009650, OMIM 252500.
GNPTAB-mucolipidosis. Also called: UDP-N-acetylglucosamine-1-phosphotransferase subunit alpha/beta deficiency. Identifiers: MedGen CN322573, MONDO:0100122.

Submissions (2):

Natera, Inc.
Classification: Likely pathogenic for Mucolipidosis type II. Last evaluated: 2025-09-08. Review status: criteria provided, single submitter. Criteria: Natera Variant Classification Schema (03/2026). Collection method: clinical testing. Allele origin: germline.
Comment: The c.410dup variant in GNPTAB is a frameshift variant predicted to shift the reading frame beginning at codon 138 and leads to a stop codon 29 codons downstream. This variant is expected to result in nonsense mediated decay, truncation, or a dysfunctional protein product. This variant is rare in the general population with a frequency below the threshold expected for the associated phenotype(s). Given the available evidence, this variant is classified as Likely Pathogenic.

Myriad Genetics, Inc.
Classification: Pathogenic for GNPTAB-mucolipidosis. Last evaluated: 2024-03-11. Review status: criteria provided, single submitter. Criteria: Myriad Autosomal Dominant, Autosomal Recessive and X-Linked Classification Criteria (2023). Collection method: clinical testing. Allele origin: unknown.
Comment: NM_024312.4(GNPTAB):c.410dupC(M138Nfs*29) is expected to be pathogenic in the context of GNPTAB-related disorders. This variant is predicted to lead to an abnormal or absent protein product due to the creation of a premature termination codon in GNPTAB, a gene where loss-of-function variants are known to be pathogenic. Please note: this variant was assessed in the context of healthy population screening.

NM_024312.5(GNPTAB):c.410dup (p.Met138fs)

Gene: GNPTAB (N-acetylglucosamine-1-phosphate transferase subunits alpha and beta; minus strand). Cytogenetic location: 12q23.2.
Variant type: Duplication.
Coding change: c.410dup on transcript NM_024312.5 (MANE Select); coding-DNA position 410, one base duplicated (C; older notation c.410dupC).
Protein change: p.Met138fs; shifts the reading frame from methionine 138.
Molecular consequence: frameshift variant.
Genome position (GRCh38, 1-based): chr12:101,786,173, G duplicated on the plus strand (C on the coding strand, the reverse complement: GNPTAB is on the minus strand); the first of 2 consecutive G bases (chr12:101,786,173-101,786,174); duplicating either gives the same sequence. VCF-style (leftmost placement, unchanged base first): chr12-101786172-T-TG. GRCh37 (hg19) VCF-style: chr12-102179950-T-TG.
Other names: short protein forms M138fs.
Identifiers: ClinVar variation 4816151 (VCV004816151.2).